The following is an entry in ClinVar:

NM_001142800.2(EYS):c.9248G>A (p.Gly3083Asp)

Genes: EYS (EGF-like photoreceptor maintenance factor; minus strand), PHF3 (PHD finger protein 3; plus strand). Cytogenetic location: 6q12.
Variant type: single nucleotide variant.
Coding change: c.9248G>A on transcript NM_001142800.2 (MANE Select); coding-DNA position 9248, G replaced by A.
Protein change: p.Gly3083Asp; replaces glycine 3083 with aspartic acid.
Molecular consequence: missense variant. On other transcripts: 3 prime UTR variant (5).
Genome position (GRCh38, 1-based): chr6:63,720,783, C>T on the plus strand (G>A on the coding strand, the complement: EYS is on the minus strand). VCF-style: chr6-63720783-C-T. GRCh37 (hg19) VCF-style: chr6-64430679-C-T.
Other names: c.*7075C>T (NM_001290259.2, NM_001370348.2, NM_001370349.2 and 2 more transcripts); c.9311G>A, p.Gly3104Asp (NM_001292009.2); short protein forms G3083D, G3104D.
Identifiers: ClinVar variation 2627284 (VCV002627284.4), dbSNP rs1445730109, ClinGen allele CA364382913.

ClinVar aggregate classification (germline): Uncertain significance. Review status: criteria provided, multiple submitters, no conflicts (2 of 4 stars). 4 submissions from 4 submitters: Uncertain significance (4). Last evaluated 2026-09-10.

Conditions:
EYS-related disorder. Also called: EYS-related condition.
Retinal dystrophy. Also called: Inherited retinal dystrophy. Identifiers: Orphanet 71862, MedGen C0854723, MeSH D058499, MONDO:0019118, HP:0000556.

Submissions (4):

PreventionGenetics, part of Exact Sciences
Classification: Uncertain significance for EYS-related condition. Last evaluated: 2026-09-10. Review status: criteria provided, single submitter. Criteria: ACMG Guidelines, 2015. Collection method: clinical testing. Allele origin: germline.
Comment: The EYS c.9248G>A variant is predicted to result in the amino acid substitution p.Gly3083Asp. This variant has been reported along with a second EYS variant in an individual with retinitis pigmentosa (Gu et al. 2016. PubMed ID: 27375351). The variant has also been reported in an individual with retinitis pigmentosa, but without a second EYS variant (Dan et al. 2020. PubMed ID: 31960602). Modeling studies suggest that this variant alters the protein structure (Gu et al. 2016. PubMed ID: 27375351). This variant is absent in a large population database (gnomAD), indicating this variant is rare. At this time, the clinical significance of this variant is uncertain due to the absence of conclusive functional and genetic evidence.

Dept Of Ophthalmology, Nagoya University
Classification: Uncertain significance for Retinal dystrophy. Last evaluated: 2023-10-01. Review status: criteria provided, single submitter. Criteria: Submitter's publication. Collection method: research. Allele origin: germline. Affected: yes.

Women's Health and Genetics/Laboratory Corporation of America, LabCorp
Classification: Uncertain significance. Last evaluated: 2023-09-20. Review status: criteria provided, single submitter. Criteria: LabCorp Variant Classification Summary - May 2015. Collection method: clinical testing. Allele origin: germline.
Comment: Variant summary: EYS c.9248G>A (p.Gly3083Asp) results in a non-conservative amino acid change located in the Laminin G domain (IPR001791) of the encoded protein sequence. Three of five in-silico tools predict a damaging effect of the variant on protein function. The variant was absent in 156530 control chromosomes (gnomAD). c.9248G>A has been reported in the literature in individuals affected with Retinitis Pigmentosa (e.g. Gu_2016, Dan_2020, Gao_2022). These data indicate that the variant may be associated with disease. To our knowledge, no experimental evidence demonstrating an impact on protein function has been reported. The following publications have been ascertained in the context of this evaluation (PMID: 31960602, 34689181, 27375351). No submitters have cited clinical-significance assessments for this variant to ClinVar after 2014. Based on the evidence outlined above, the variant was classified as VUS-possibly pathogenic.

Blueprint Genetics
Classification: Uncertain significance. Last evaluated: 2022-02-15. Review status: criteria provided, single submitter. Criteria: ACMG Guidelines, 2015. Collection method: clinical testing. Allele origin: germline.

Literature cited by the submitters: PubMed 27375351 (cited by Women's Health and Genetics/Laboratory Corporation of America, LabCorp); PubMed 31960602 (cited by Women's Health and Genetics/Laboratory Corporation of America, LabCorp); PubMed 34689181 (cited by Women's Health and Genetics/Laboratory Corporation of America, LabCorp).